The following is an entry in ClinVar:

ClinVar aggregate classification (germline): Uncertain significance (1 of 4 stars; one submission).

Conditions:
Cardiovascular phenotype. Identifiers: MedGen CN230736.

gnomAD v4.1: 6 of 1,593,470 alleles (0.00038%); highest among the groups gnomAD compares: African/African-American, 0.0013%; no homozygotes.

Submission:

Ambry Genetics
Classification: Uncertain significance for Cardiovascular phenotype. Last evaluated: 2025-11-25. Review status: criteria provided, single submitter. Criteria: Ambry Variant Classification Scheme 2023. Collection method: clinical testing. Allele origin: germline.
Comment: The p.V583M variant (also known as c.1747G>A), located in coding exon 15 of the PTPN11 gene, results from a G to A substitution at nucleotide position 1747. The valine at codon 583 is replaced by methionine, an amino acid with highly similar properties. This amino acid position is conserved. In addition, this alteration is predicted to be tolerated by in silico analysis. Based on the available evidence, the clinical significance of this variant remains unclear.

NM_002834.5(PTPN11):c.1747G>A (p.Val583Met)

Gene: PTPN11 (protein tyrosine phosphatase non-receptor type 11; plus strand). Cytogenetic location: 12q24.13.
Variant type: single nucleotide variant.
Coding change: c.1747G>A on transcript NM_002834.5 (MANE Select); coding-DNA position 1747, G replaced by A.
Protein change: p.Val583Met; replaces valine 583 with methionine.
Molecular consequence: missense variant.
Genome position (GRCh38, 1-based): chr12:112,504,729, G>A. VCF-style: chr12-112504729-G-A. GRCh37 (hg19) VCF-style: chr12-112942533-G-A.
Other names: c.1759G>A, p.Val587Met (NM_001330437.2); c.1744G>A, p.Val582Met (NM_001374625.1); short protein forms V583M, V587M, V582M.
Identifiers: ClinVar variation 4614787 (VCV004614787.1).